The following is an entry in ClinVar:

NM_001457.4(FLNB):c.1082G>C (p.Gly361Ala)

Gene: FLNB (filamin B; plus strand). Cytogenetic location: 3p14.3.
Variant type: single nucleotide variant.
Coding change: c.1082G>C on transcript NM_001457.4 (MANE Select); coding-DNA position 1082, G replaced by C.
Protein change: p.Gly361Ala; replaces glycine 361 with alanine.
Molecular consequence: missense variant.
Genome position (GRCh38, 1-based): chr3:58,097,912, G>C. VCF-style: chr3-58097912-G-C. GRCh37 (hg19) VCF-style: chr3-58083639-G-C.
Other names: c.1082G>C, p.Gly361Ala (NM_001164317.2, NM_001164318.2, NM_001164319.2); short protein forms G361A.
Identifiers: ClinVar variation 3635697 (VCV003635697.2).

ClinVar aggregate classification (germline): Uncertain significance (1 of 4 stars; one submission).

Submission:

Labcorp Genetics (formerly Invitae), Labcorp
Classification: Uncertain significance. Last evaluated: 2025-06-06. Review status: criteria provided, single submitter. Criteria: Invitae Variant Classification Sherloc (09022015). Collection method: clinical testing. Allele origin: germline.
Comment: This sequence change replaces glycine, which is neutral and non-polar, with alanine, which is neutral and non-polar, at codon 361 of the FLNB protein (p.Gly361Ala). This variant is not present in population databases (gnomAD no frequency). This missense change has been observed in individual(s) with autosomal dominant Larsen syndrome and/or internal data (internal data). It has also been observed to segregate with disease in related individuals. ClinVar contains an entry for this variant (Variation ID: 3635697). Invitae Evidence Modeling of protein sequence and biophysical properties (such as structural, functional, and spatial information, amino acid conservation, physicochemical variation, residue mobility, and thermodynamic stability) has been performed for this missense variant. However, the output from this modeling did not meet the statistical confidence thresholds required to predict the impact of this variant on FLNB protein function. This variant disrupts the p.Gly361 amino acid residue in FLNB. Other variant(s) that disrupt this residue have been observed in individuals with FLNB-related conditions (PMID: 16801345, 22190451), which suggests that this may be a clinically significant amino acid residue. In summary, the available evidence is currently insufficient to determine the role of this variant in disease. Therefore, it has been classified as a Variant of Uncertain Significance.

Literature cited by the submitters: PubMed 16801345; PubMed 22190451.